The following is an entry in ClinVar:

ClinVar aggregate classification (germline): Likely benign (0 of 4 stars; one submission).

Conditions:
CFAP44-related disorder. Also called: CFAP44-related condition.

Allele frequency attached by ClinVar (database versions not stated): gnomAD exomes 0.00011; 1000 Genomes Project 30x 0.00031; ExAC 0.00020; TOPMed 0.00046; 1000 Genomes Project 0.00040; gnomAD 0.00050; ESP Exome Variant Server 0.00088.
gnomAD v4.1: 231 of 1,537,272 alleles (0.015%); highest among the groups gnomAD compares: African/African-American, 0.13%; no homozygotes.

Submission:

PreventionGenetics, part of Exact Sciences
Classification: Likely benign for CFAP44-related condition. Last evaluated: 2019-02-22. Review status: no assertion criteria provided. Collection method: clinical testing. Allele origin: germline.
Comment: This variant is classified as likely benign based on ACMG/AMP sequence variant interpretation guidelines (Richards et al. 2015 PMID: 25741868, with internal and published modifications).

NM_001164496.2(CFAP44):c.5451G>A (p.Ala1817=)

Genes: CFAP44 (cilia and flagella associated protein 44; minus strand), SPICE1-CFAP44 (SPICE1-CFAP44 readthrough (NMD candidate); minus strand). Cytogenetic location: 3q13.2.
Variant type: single nucleotide variant.
Coding change: c.5451G>A on transcript NM_001164496.2 (MANE Select); coding-DNA position 5451, G replaced by A.
Protein change: p.Ala1817=; no amino-acid change (alanine 1817 retained).
Molecular consequence: synonymous variant. On other transcripts: non-coding transcript variant (6).
Genome position (GRCh38, 1-based): chr3:113,291,671, C>T on the plus strand (G>A on the coding strand, the complement: CFAP44 is on the minus strand). VCF-style: chr3-113291671-C-T. GRCh37 (hg19) VCF-style: chr3-113010518-C-T.
Identifiers: ClinVar variation 3033995 (VCV003033995.2), dbSNP rs377654876, ClinGen allele CA2543552.